The following is an entry in ClinVar:

NM_006949.4(STXBP2):c.202A>G (p.Ile68Val)

Gene: STXBP2 (syntaxin binding protein 2; plus strand). Cytogenetic location: 19p13.2.
Variant type: single nucleotide variant.
Coding change: c.202A>G on transcript NM_006949.4 (MANE Select); coding-DNA position 202, A replaced by G.
Protein change: p.Ile68Val; replaces isoleucine 68 with valine.
Molecular consequence: missense variant. On other transcripts: non-coding transcript variant (1).
Genome position (GRCh38, 1-based): chr19:7,639,763, A>G. VCF-style: chr19-7639763-A-G. GRCh37 (hg19) VCF-style: chr19-7704649-A-G.
Other names: c.202A>G, p.Ile68Val (NM_001127396.3, NM_001272034.2); c.106A>G, p.Ile36Val (NM_001414484.1); short protein forms I68V, I36V.
Identifiers: ClinVar variation 1900609 (VCV001900609.5), dbSNP rs1477088810, ClinGen allele CA403155547.

ClinVar aggregate classification (germline): Uncertain significance. Review status: criteria provided, multiple submitters, no conflicts (2 of 4 stars). 2 submissions from 2 submitters: Uncertain significance (2). Last evaluated 2024-11-21.

Conditions:
Inborn genetic diseases. Identifiers: MedGen C0950123, MeSH D030342.
Familial hemophagocytic lymphohistiocytosis 5. Also called: STXBP2-Related Familial Hemophagocytic Lymphohistiocytosis (STXBP2-fHLH). Identifiers: Orphanet 540, MedGen C2751293, MONDO:0013135, OMIM 613101.

Allele frequency attached by ClinVar (database versions not stated): gnomAD 0.00001; gnomAD exomes 0.00001; TOPMed 0.00002.
gnomAD v4.1: 18 of 1,613,600 alleles (0.0011%); highest among the groups gnomAD compares: Non-Finnish European, 0.0015%; no homozygotes.

Submissions (2):

Labcorp Genetics (formerly Invitae), Labcorp
Classification: Uncertain significance for Familial hemophagocytic lymphohistiocytosis 5. Last evaluated: 2024-11-21. Review status: criteria provided, single submitter. Criteria: Invitae Variant Classification Sherloc (09022015). Collection method: clinical testing. Allele origin: germline.
Comment: This sequence change replaces isoleucine, which is neutral and non-polar, with valine, which is neutral and non-polar, at codon 68 of the STXBP2 protein (p.Ile68Val). This variant is present in population databases (no rsID available, gnomAD 0.004%). This variant has not been reported in the literature in individuals affected with STXBP2-related conditions. ClinVar contains an entry for this variant (Variation ID: 1900609). Invitae Evidence Modeling of protein sequence and biophysical properties (such as structural, functional, and spatial information, amino acid conservation, physicochemical variation, residue mobility, and thermodynamic stability) indicates that this missense variant is not expected to disrupt STXBP2 protein function with a negative predictive value of 95%. In summary, the available evidence is currently insufficient to determine the role of this variant in disease. Therefore, it has been classified as a Variant of Uncertain Significance.

Ambry Genetics
Classification: Uncertain significance for Inborn genetic diseases. Last evaluated: 2024-03-04. Review status: criteria provided, single submitter. Criteria: Ambry Variant Classification Scheme 2023. Collection method: clinical testing. Allele origin: germline.